The following is an entry in ClinVar:

ClinVar aggregate classification (germline): Uncertain significance (1 of 4 stars; one submission).

Allele frequency attached by ClinVar (database versions not stated): gnomAD exomes below 0.00001.

Submission:

Labcorp Genetics (formerly Invitae), Labcorp
Classification: Uncertain significance. Last evaluated: 2024-11-11. Review status: criteria provided, single submitter. Criteria: Invitae Variant Classification Sherloc (09022015). Collection method: clinical testing. Allele origin: germline.
Comment: This sequence change replaces serine, which is neutral and polar, with arginine, which is basic and polar, at codon 1238 of the LRPPRC protein (p.Ser1238Arg). This variant is not present in population databases (gnomAD no frequency). This variant has not been reported in the literature in individuals affected with LRPPRC-related conditions. ClinVar contains an entry for this variant (Variation ID: 2177377). Invitae Evidence Modeling of protein sequence and biophysical properties (such as structural, functional, and spatial information, amino acid conservation, physicochemical variation, residue mobility, and thermodynamic stability) indicates that this missense variant is not expected to disrupt LRPPRC protein function with a negative predictive value of 80%. In summary, the available evidence is currently insufficient to determine the role of this variant in disease. Therefore, it has been classified as a Variant of Uncertain Significance.

NM_133259.4(LRPPRC):c.3714C>G (p.Ser1238Arg)

Gene: LRPPRC (leucine rich pentatricopeptide repeat containing; minus strand). Cytogenetic location: 2p21.
Variant type: single nucleotide variant.
Coding change: c.3714C>G on transcript NM_133259.4 (MANE Select); coding-DNA position 3714, C replaced by G.
Protein change: p.Ser1238Arg; replaces serine 1238 with arginine.
Molecular consequence: missense variant.
Genome position (GRCh38, 1-based): chr2:43,899,330, G>C on the plus strand (C>G on the coding strand, the complement: LRPPRC is on the minus strand). VCF-style: chr2-43899330-G-C. GRCh37 (hg19) VCF-style: chr2-44126469-G-C.
Other names: short protein forms S1238R.
Identifiers: ClinVar variation 2177377 (VCV002177377.4), dbSNP rs2104989421, ClinGen allele CA346676762.